The following is an entry in ClinVar:

NM_001374675.1(HSF4):c.1345G>A (p.Ala449Thr)

Gene: HSF4 (heat shock transcription factor 4; plus strand). Cytogenetic location: 16q22.1.
Variant type: single nucleotide variant.
Coding change: c.1345G>A on transcript NM_001374675.1 (MANE Select); coding-DNA position 1345, G replaced by A.
Protein change: p.Ala449Thr; replaces alanine 449 with threonine.
Molecular consequence: missense variant.
Genome position (GRCh38, 1-based): chr16:67,169,651, G>A. VCF-style: chr16-67169651-G-A. GRCh37 (hg19) VCF-style: chr16-67203554-G-A.
Other names: c.1345G>A, p.Ala449Thr (NM_001040667.3); c.1255G>A, p.Ala419Thr (NM_001374674.1, NM_001538.4); short protein forms A449T, A419T.
Identifiers: ClinVar variation 4723086 (VCV004723086.1).
Genomic context (GRCh38, chr16:67,169,651, plus strand): 5'-GGAACATTTCCCCTGGTGAGCGCAGTCCCACTTCTCCTAGGGAAGGACCCCACGCTCGGG[G>A]CCCCACTCCTGCTGGATGTCCAGGCGGCCTTGGGAGGCCCAGCCCTGGGCCTGCCTGGGG-3'
Protein context (NP_001361604.1, residues 439-459): PSPGKDPTLG[Ala449Thr]PLLLDVQAAL

ClinVar aggregate classification (germline): Uncertain significance (1 of 4 stars; one submission).

Conditions:
Cataract 5 multiple types (CTRCT5). Also called: CATARACT 5, LAMELLAR; Lamellar cataract; CATARACT, MARNER TYPE. Identifiers: Orphanet 91492, MedGen C0266537, MONDO:0007290, OMIM 116800, HP:0007971.

Submission:

Labcorp Genetics (formerly Invitae), Labcorp
Classification: Uncertain significance for Cataract 5 multiple types. Last evaluated: 2025-09-08. Review status: criteria provided, single submitter. Criteria: Invitae Variant Classification Sherloc (09022015). Collection method: clinical testing. Allele origin: germline.
Comment: This sequence change replaces alanine, which is neutral and non-polar, with threonine, which is neutral and polar, at codon 419 of the HSF4 protein (p.Ala419Thr). This variant is present in population databases (rs367853155, gnomAD 0.0009%). This variant has not been reported in the literature in individuals affected with HSF4-related conditions. An algorithm developed to predict the effect of missense changes on protein structure and function outputs the following: PolyPhen-2: "Benign". The threonine amino acid residue is found in multiple mammalian species, which suggests that this missense change does not adversely affect protein function. In summary, the available evidence is currently insufficient to determine the role of this variant in disease. Therefore, it has been classified as a Variant of Uncertain Significance.